The following is an entry in ClinVar:

ClinVar aggregate classification (germline): Uncertain significance (1 of 4 stars; one submission).

gnomAD v4.1: 1 of 1,614,170 alleles (0.000062%); no homozygotes.

Submission:

Labcorp Genetics (formerly Invitae), Labcorp
Classification: Uncertain significance. Last evaluated: 2025-04-15. Review status: criteria provided, single submitter. Criteria: Invitae Variant Classification Sherloc (09022015). Collection method: clinical testing. Allele origin: germline.
Comment: This sequence change replaces threonine, which is neutral and polar, with methionine, which is neutral and non-polar, at codon 618 of the PRPF8 protein (p.Thr618Met). This variant is not present in population databases (gnomAD no frequency). This variant has not been reported in the literature in individuals affected with PRPF8-related conditions. An algorithm developed to predict the effect of missense changes on protein structure and function (PolyPhen-2) suggests that this variant is likely to be disruptive. In summary, the available evidence is currently insufficient to determine the role of this variant in disease. Therefore, it has been classified as a Variant of Uncertain Significance.

NM_006445.4(PRPF8):c.1853C>T (p.Thr618Met)

Gene: PRPF8 (pre-mRNA processing factor 8; minus strand). Cytogenetic location: 17p13.3.
Variant type: single nucleotide variant.
Coding change: c.1853C>T on transcript NM_006445.4 (MANE Select); coding-DNA position 1853, C replaced by T.
Protein change: p.Thr618Met; replaces threonine 618 with methionine.
Molecular consequence: missense variant.
Genome position (GRCh38, 1-based): chr17:1,678,519, G>A on the plus strand (C>T on the coding strand, the complement: PRPF8 is on the minus strand). VCF-style: chr17-1678519-G-A. GRCh37 (hg19) VCF-style: chr17-1581813-G-A.
Other names: short protein forms T618M.
Identifiers: ClinVar variation 4763451 (VCV004763451.1).